The following is an entry in ClinVar:

NM_001042492.3(NF1):c.1661_1662del (p.Gln554fs)

Gene: NF1 (neurofibromin 1; plus strand). Cytogenetic location: 17q11.2.
Variant type: Deletion.
Coding change: c.1661_1662del on transcript NM_001042492.3 (MANE Select); coding-DNA positions 1661 to 1662, 2 bases deleted (AG; older notation c.1661_1662delAG).
Protein change: p.Gln554fs; shifts the reading frame from glutamine 554.
Molecular consequence: frameshift variant.
Genome position (GRCh38, 1-based): chr17:31,221,869-31,221,870, AG deleted. VCF-style (leftmost placement, unchanged base first): chr17-31221868-CAG-C. GRCh37 (hg19) VCF-style: chr17-29548886-CAG-C.
Other names: c.1661_1662delAG, p.Gln554Leufs (NM_000267.4); c.1661_1662del, p.Gln554fs (NM_001128147.3); short protein forms Q554fs.
Identifiers: ClinVar variation 1070470 (VCV001070470.5), dbSNP rs2144003986, ClinGen allele CA2499224001.

ClinVar aggregate classification (germline): Pathogenic (1 of 4 stars; one submission).

Conditions:
Neurofibromatosis, type 1 (NF1). Also called: VON RECKLINGHAUSEN DISEASE; Peripheral type neurofibromatosis; NEUROFIBROMATOSIS, TYPE I, SOMATIC; Neurofibromatosis, type I. Identifiers: Orphanet 636, MedGen C0027831, MONDO:0018975, OMIM 162200. Disease mechanism: loss of function.

Submission:

Labcorp Genetics (formerly Invitae), Labcorp
Classification: Pathogenic for Neurofibromatosis, type 1. Last evaluated: 2020-09-15. Review status: criteria provided, single submitter. Criteria: Invitae Variant Classification Sherloc (09022015). Collection method: clinical testing. Allele origin: germline.
Comment: This variant has not been reported in the literature in individuals with NF1-related conditions. For these reasons, this variant has been classified as Pathogenic. Loss-of-function variants in NF1 are known to be pathogenic (PMID: 10712197, 23913538). This variant is not present in population databases (ExAC no frequency). This sequence change creates a premature translational stop signal (p.Gln554Leufs*3) in the NF1 gene. It is expected to result in an absent or disrupted protein product.

Literature cited by the submitters: PubMed 10712197; PubMed 23913538.